The following is an entry in ClinVar:

NM_001291088.2(WDR87):c.8341C>T (p.Arg2781Ter)

Gene: WDR87 (WD repeat domain 87; minus strand). Cytogenetic location: 19q13.13.
Variant type: single nucleotide variant.
Coding change: c.8341C>T on transcript NM_001291088.2 (MANE Select); coding-DNA position 8341, C replaced by T.
Protein change: p.Arg2781Ter; replaces arginine 2781 with a stop codon.
Molecular consequence: nonsense.
Genome position (GRCh38, 1-based): chr19:37,885,330, G>A on the plus strand (C>T on the coding strand, the complement: WDR87 is on the minus strand). VCF-style: chr19-37885330-G-A. GRCh37 (hg19) VCF-style: chr19-38375970-G-A.
Other names: c.8224C>T, p.Arg2742Ter (NM_031951.5); short protein forms R2742*, R2781*.
Identifiers: ClinVar variation 2971109 (VCV002971109.3), dbSNP rs946919831, ClinGen allele CA308018241.

ClinVar aggregate classification (germline): Uncertain significance (1 of 4 stars; one submission).

Allele frequency attached by ClinVar (database versions not stated): gnomAD 0.00001; gnomAD exomes 0.00001.
gnomAD v4.1: 10 of 1,551,430 alleles (0.00064%); highest among the groups gnomAD compares: East Asian, 0.0073%; no homozygotes.

Submission:

Labcorp Genetics (formerly Invitae), Labcorp
Classification: Uncertain significance. Last evaluated: 2024-10-17. Review status: criteria provided, single submitter. Criteria: Invitae Variant Classification Sherloc (09022015). Collection method: clinical testing. Allele origin: germline.
Comment: This sequence change creates a premature translational stop signal (p.Arg2742*) in the WDR87 gene. While this is not anticipated to result in nonsense mediated decay, it is expected to disrupt the last 132 amino acid(s) of the WDR87 protein. This variant is present in population databases (no rsID available, gnomAD 0.004%). This variant has not been reported in the literature in individuals affected with WDR87-related conditions. In summary, the available evidence is currently insufficient to determine the role of this variant in disease. Therefore, it has been classified as a Variant of Uncertain Significance.